The following is an entry in ClinVar:

ClinVar aggregate classification (germline): Uncertain significance (1 of 4 stars; one submission).

Submission:

Women's Health and Genetics/Laboratory Corporation of America, LabCorp
Classification: Uncertain significance. Last evaluated: 2021-10-29. Review status: criteria provided, single submitter. Criteria: LabCorp Variant Classification Summary - May 2015. Collection method: clinical testing. Allele origin: germline.
Comment: Variant summary: JAK3 c.3281delA (p.Gln1094ArgfsX44) causes a frameshift which results in an extension of the protein. In additon, the variant alters the last 17 amino acids in the protein kinase domain (amino acids 822-1111). The variant was absent in 248818 control chromosomes. To our knowledge, no occurrence of c.3281delA in individuals affected with Severe Combined Immunodeficiency Syndrome and no experimental evidence demonstrating its impact on protein function have been reported. No clinical diagnostic laboratories have submitted clinical-significance assessments for this variant to ClinVar after 2014. To our knowledge, no protein extending variants have been reported in HGMD and ClinVar. Based on the evidence outlined above, the variant was classified as VUS.

NM_000215.4(JAK3):c.3281del (p.Gln1094fs)

Gene: JAK3 (Janus kinase 3; minus strand). Cytogenetic location: 19p13.11.
Variant type: Deletion.
Coding change: c.3281del on transcript NM_000215.4 (MANE Select); coding-DNA position 3281, one base deleted (A; older notation c.3281delA).
Protein change: p.Gln1094fs; shifts the reading frame from glutamine 1094.
Molecular consequence: frameshift variant.
Genome position (GRCh38, 1-based): chr19:17,826,837, T deleted on the plus strand (A on the coding strand, the reverse complement: JAK3 is on the minus strand). VCF-style (leftmost placement, unchanged base first): chr19-17826836-CT-C. GRCh37 (hg19) VCF-style: chr19-17937645-CT-C.
Other names: short protein forms Q1094fs.
Identifiers: ClinVar variation 1321438 (VCV001321438.1), dbSNP rs2147669921, ClinGen allele CA2573054739.
Genomic context (GRCh38, chr19:17,826,836, plus strand): 5'-TGGGTGAGCAGTGAAGGCATGAGTCTCACACCCCCGGCTTCCGCTCCACAGCATGTCCAG[CT>C]GGGGGCCCAGGGCGCTGAATGATGGCCGGTCCTGTGGGCTAGGGGCCCAGCACAGCTTCA-3'